The following is an entry in ClinVar:

NM_006944.3(SPP2):c.333+1G>C

Gene: SPP2 (secreted phosphoprotein 2; plus strand). Cytogenetic location: 2q37.1.
Variant type: single nucleotide variant.
Coding change: c.333+1G>C on transcript NM_006944.3 (MANE Select); the canonical splice donor site of the intron after coding-DNA position 333, G replaced by C.
Molecular consequence: splice donor variant.
Genome position (GRCh38, 1-based): chr2:234,058,959, G>C. VCF-style: chr2-234058959-G-C. GRCh37 (hg19) VCF-style: chr2-234967603-G-C.
Identifiers: ClinVar variation 1466186 (VCV001466186.6), dbSNP rs1419597275, ClinGen allele CA351102186.
Genomic context (GRCh38, chr2:234,058,959, plus strand): 5'-TGCAGGAAGGATTCTGGAGAAGATCCCGCTACATGTGCCTTCCAGAGGGACTACTATGTG[G>C]TAAGTGGGAGGAGACCCATCCCAGAAATGAACAAAAGGAAGAGCCTCACTTCTTCCATGA-3'

ClinVar aggregate classification (germline): Uncertain significance (1 of 4 stars; one submission).

Submission:

Labcorp Genetics (formerly Invitae), Labcorp
Classification: Uncertain significance. Last evaluated: 2022-07-12. Review status: criteria provided, single submitter. Criteria: Invitae Variant Classification Sherloc (09022015). Collection method: clinical testing. Allele origin: germline.
Comment: ClinVar contains an entry for this variant (Variation ID: 1466186). In summary, the available evidence is currently insufficient to determine the role of this variant in disease. Therefore, it has been classified as a Variant of Uncertain Significance. Algorithms developed to predict the effect of sequence changes on RNA splicing suggest that this variant may disrupt the consensus splice site. This variant has not been reported in the literature in individuals affected with SPP2-related conditions. This variant is not present in population databases (gnomAD no frequency). This sequence change affects a donor splice site in intron 3 of the SPP2 gene. It is expected to disrupt RNA splicing. Variants that disrupt the donor or acceptor splice site typically lead to a loss of protein function (PMID: 16199547), however the current clinical and genetic evidence is not sufficient to establish whether loss-of-function variants in SPP2 cause disease.

Literature cited by the submitters: PubMed 16199547.